The following is an entry in ClinVar:

NM_006206.6(PDGFRA):c.2863C>T (p.Pro955Ser)

Gene: PDGFRA (platelet derived growth factor receptor alpha; plus strand). Cytogenetic location: 4q12.
Variant type: single nucleotide variant.
Coding change: c.2863C>T on transcript NM_006206.6 (MANE Select); coding-DNA position 2863, C replaced by T.
Protein change: p.Pro955Ser; replaces proline 955 with serine.
Molecular consequence: missense variant.
Genome position (GRCh38, 1-based): chr4:54,289,097, C>T. VCF-style: chr4-54289097-C-T. GRCh37 (hg19) VCF-style: chr4-55155264-C-T.
Other names: c.2938C>T, p.Pro980Ser (NM_001347828.2); c.2863C>T, p.Pro955Ser (NM_001347829.2); c.2902C>T, p.Pro968Ser (NM_001347830.2); short protein forms P968S, P955S, P980S.
Identifiers: ClinVar variation 937904 (VCV000937904.14), dbSNP rs1724503273, ClinGen allele CA356895851.
Genomic context (GRCh38, chr4:54,289,097, plus strand): 5'-AGTGAGCCGGAGAAGAGACCCTCCTTTTACCACCTGAGTGAGATTGTGGAGAATCTGCTG[C>T]CTGGACAATATAAAAAGGTGTGTTTGGATCTGTGGGTGGAAAGGTCTGGATAAAGCTGGA-3'
Protein context (NP_006197.1, residues 945-965): HLSEIVENLL[Pro955Ser]GQYKKSYEKI

ClinVar aggregate classification (germline): Uncertain significance. Review status: criteria provided, multiple submitters, no conflicts (2 of 4 stars). 3 submissions from 3 submitters: Uncertain significance (3). Last evaluated 2025-08-06.

Conditions:
Gastrointestinal stromal tumor. Also called: Gastrointestinal stromal tumor, somatic; Gastrointestinal stroma tumor. Identifiers: Orphanet 44890, MedGen C0238198, MeSH D046152, MONDO:0011719, OMIM 606764, HP:0100723.
Hereditary cancer-predisposing syndrome. Also called: Hereditary neoplastic syndrome; Neoplastic Syndromes, Hereditary; Hereditary Cancer Syndrome; Tumor predisposition. Identifiers: Orphanet 140162, MedGen C0027672, MeSH D009386, MONDO:0015356.

Submissions (3):

Labcorp Genetics (formerly Invitae), Labcorp
Classification: Uncertain significance for Gastrointestinal stromal tumor. Last evaluated: 2025-08-06. Review status: criteria provided, single submitter. Criteria: Invitae Variant Classification Sherloc (09022015). Collection method: clinical testing. Allele origin: germline.
Comment: This sequence change replaces proline, which is neutral and non-polar, with serine, which is neutral and polar, at codon 955 of the PDGFRA protein (p.Pro955Ser). This variant is not present in population databases (gnomAD no frequency). This variant has not been reported in the literature in individuals affected with PDGFRA-related conditions. ClinVar contains an entry for this variant (Variation ID: 937904). Invitae Evidence Modeling of protein sequence and biophysical properties (such as structural, functional, and spatial information, amino acid conservation, physicochemical variation, residue mobility, and thermodynamic stability) indicates that this missense variant is not expected to disrupt PDGFRA protein function with a negative predictive value of 80%. In summary, the available evidence is currently insufficient to determine the role of this variant in disease. Therefore, it has been classified as a Variant of Uncertain Significance.

GeneDx
Classification: Uncertain significance. Last evaluated: 2024-12-10. Review status: criteria provided, single submitter. Criteria: GeneDx Variant Classification Process June 2021. Collection method: clinical testing. Allele origin: germline. Affected: yes.
Comment: Not observed at significant frequency in large population cohorts (gnomAD); In silico analysis indicates that this missense variant does not alter protein structure/function; Has not been previously published as pathogenic or benign to our knowledge

Ambry Genetics
Classification: Uncertain significance for Hereditary cancer-predisposing syndrome. Last evaluated: 2024-09-02. Review status: criteria provided, single submitter. Criteria: Ambry Variant Classification Scheme 2023. Collection method: clinical testing. Allele origin: germline.
Comment: The p.P955S variant (also known as c.2863C>T), located in coding exon 20 of the PDGFRA gene, results from a C to T substitution at nucleotide position 2863. The proline at codon 955 is replaced by serine, an amino acid with similar properties. This amino acid position is conserved. In addition, the in silico prediction for this alteration is inconclusive. Since supporting evidence is limited at this time, the clinical significance of this alteration remains unclear.